The following is an entry in ClinVar:

NM_020549.5(CHAT):c.485del (p.Ser162fs)

Gene: CHAT (choline O-acetyltransferase; plus strand). Cytogenetic location: 10q11.23.
Variant type: Deletion.
Coding change: c.485del on transcript NM_020549.5 (MANE Select); coding-DNA position 485, one base deleted (G; older notation c.485delG).
Protein change: p.Ser162fs; shifts the reading frame from serine 162.
Molecular consequence: frameshift variant.
Genome position (GRCh38, 1-based): chr10:49,619,822, G deleted. VCF-style (leftmost placement, unchanged base first): chr10-49619821-AG-A. GRCh37 (hg19) VCF-style: chr10-50827867-AG-A.
Other names: c.131del, p.Ser44fs (NM_001142929.2, NM_001142934.2, NM_020984.4 and 2 more transcripts); c.239del, p.Ser80fs (NM_001142933.2); short protein forms S162fs, S44fs, S80fs.
Identifiers: ClinVar variation 4886478 (VCV004886478.2).
Genomic context (GRCh38, chr10:49,619,821, plus strand): 5'-ACCCTGGCCACGTACCTGCAGTGCATGCGACACTTGGTGTCTGAGGAGCAGTTCAGGAAG[AG>A]CCAGGCCATTGTGCAGCAGTTTGGGGCCCCTGGTGGCCTCGGCGAGACCCTGCAGCAGAA-3'

ClinVar aggregate classification (germline): Likely pathogenic (1 of 4 stars; one submission).

Submission:

Dasa
Classification: Likely pathogenic. Last evaluated: 2025-11-06. Review status: criteria provided, single submitter. Criteria: DASA Assertion Criteria. Collection method: clinical testing. Allele origin: germline.
Comment: NM_020549.5(CHAT):c.485del (p.Ser162Thrfs*38) is a frameshift variant in CHAT predicted to alter the reading frame and introduce a premature termination codon and is predicted to result in an absent or altered protein product. Loss of function is an established disease mechanism for CHAT-associated disorders. Also, this variant is absent from population databases. Based on the currently available evidence, this variant is classified as likely pathogenic.